The following is an entry in ClinVar:

NM_000478.6(ALPL):c.553_558del (p.Asp185_Trp186del)

Gene: ALPL (alkaline phosphatase, biomineralization associated; plus strand). Cytogenetic location: 1p36.12.
Variant type: Deletion.
Coding change: c.553_558del on transcript NM_000478.6 (MANE Select); coding-DNA positions 553 to 558, 6 bases deleted (GACTGG; older notation c.553_558delGACTGG).
Protein change: p.Asp185_Trp186del.
Molecular consequence: inframe deletion.
Genome position (GRCh38, 1-based): chr1:21,564,121-21,564,126, GACTGG deleted; deleting any 6 consecutive bases within chr1:21,564,119-21,564,126 gives the same sequence; the c. name uses the placement nearest the transcript's 3' end. VCF-style (leftmost placement, unchanged base first): chr1-21564118-CGGGACT-C. GRCh37 (hg19) VCF-style: chr1-21890611-CGGGACT-C.
Other names: c.388_393del, p.Asp130_Trp131del (NM_001127501.4); c.322_327del, p.Asp108_Trp109del (NM_001177520.3); c.553_558del, p.Asp185_Trp186del (NM_001369803.2, NM_001369804.2, NM_001369805.2).
Identifiers: ClinVar variation 4974808 (VCV004974808.1).
Genomic context (GRCh38, chr1:21,564,118, plus strand): 5'-GTGACCACCACGAGAGTGAACCATGCCACCCCCAGCGCCGCCTACGCCCACTCGGCTGAC[CGGGACT>C]GGTACTCAGACAACGAGATGCCCCCTGAGGCCTTGAGCCAGGGCTGTAAGGACATCGCCT-3'

ClinVar aggregate classification (germline): Likely pathogenic (1 of 4 stars; one submission).

Conditions:
Hypophosphatasia. Also called: Phosphoethanol-aminuria. Identifiers: Orphanet 436, MedGen C0020630, MeSH D007014, MONDO:0018570.

Submission:

Genomenon, Inc
Classification: Likely pathogenic for Hypophosphatasia. Last evaluated: 2026-09-01. Review status: criteria provided, single submitter. Criteria: Genomenon Sequence Variant Interpretation Standards - Updated. Collection method: curation. Allele origin: germline. Affected: no.
Comment: ALPL p.Asp185_Trp186del (c.553_558del) is an in-frame deletion that results in the loss of Aspartic acid at codon 185 and Tryptophan at codon 186. To our knowledge, this variant has not been reported in patients affected with an ALPL-related disorder in the published literature. At least one functional study has demonstrated a substantial alteration in protein function relative to the wild-type (PMID:40530336). It is absent or not present at a significant frequency in gnomAD. In conclusion, we classify ALPL p.Asp185_Trp186del (c.553_558del) as a likely pathogenic variant.

Literature cited by the submitters: PubMed 40530336.